The following is an entry in ClinVar:

NM_130466.4(UBE3B):c.2T>C (p.Met1Thr)

Gene: UBE3B (ubiquitin protein ligase E3B; plus strand). Cytogenetic location: 12q24.11.
Variant type: single nucleotide variant.
Coding change: c.2T>C on transcript NM_130466.4 (MANE Select); coding-DNA position 2, T replaced by C.
Protein change: p.Met1Thr; changes the start codon (methionine 1).
Molecular consequence: missense variant, initiator codon variant.
Genome position (GRCh38, 1-based): chr12:109,483,553, T>C. VCF-style: chr12-109483553-T-C. GRCh37 (hg19) VCF-style: chr12-109921358-T-C.
Other names: c.2T>C, p.Met1Thr (NM_001270449.2, NM_001270450.2, NM_001270451.2 and 1 more transcripts); short protein forms M1T.
Identifiers: ClinVar variation 4765571 (VCV004765571.1).

ClinVar aggregate classification (germline): Likely pathogenic (1 of 4 stars; one submission).

Submission:

Labcorp Genetics (formerly Invitae), Labcorp
Classification: Likely pathogenic. Last evaluated: 2025-07-31. Review status: criteria provided, single submitter. Criteria: Invitae Variant Classification Sherloc (09022015). Collection method: clinical testing. Allele origin: germline.
Comment: This sequence change affects the initiator codon of the UBE3B mRNA. This change may impact translation initiation or efficiency. The next in-frame methionine is located at codon 107. This variant is not present in population databases (gnomAD no frequency). Disruption of the initiator codon has been observed in individual(s) with Kaufman oculocerebrofacial Syndrome (PMID: 25691420). In at least one individual the data is consistent with being in trans (on the opposite chromosome) from a pathogenic variant. It has also been observed to segregate with disease in related individuals. In summary, the currently available evidence indicates that the variant is pathogenic, but additional data are needed to prove that conclusively. Therefore, this variant has been classified as Likely Pathogenic.

Literature cited by the submitters: PubMed 25691420.